The following is an entry in ClinVar:

ClinVar aggregate classification (germline): Uncertain significance. Review status: criteria provided, multiple submitters, no conflicts (2 of 4 stars). 3 submissions from 3 submitters: Uncertain significance (3). Last evaluated 2025-09-01.

Conditions:
Hereditary cancer-predisposing syndrome. Also called: Hereditary neoplastic syndrome; Hereditary Cancer Syndrome; Neoplastic Syndromes, Hereditary; Tumor predisposition. Identifiers: Orphanet 140162, MedGen C0027672, MeSH D009386, MONDO:0015356.
Nijmegen breakage syndrome-like disorder (NBSLD). Also called: MICROCEPHALY AND SPONTANEOUS CHROMOSOME INSTABILITY WITHOUT IMMUNODEFICIENCY; NBS-LIKE DISORDER; RAD50 DEFICIENCY. Identifiers: Orphanet 240760, MedGen C2751318, MONDO:0013118, OMIM 613078.

Allele frequency attached by ClinVar (database versions not stated): TOPMed 0.00002; ESP Exome Variant Server 0.00008.
gnomAD v4.1: 34 of 1,613,740 alleles (0.0021%); highest among the groups gnomAD compares: Non-Finnish European, 0.0026%; no homozygotes.

Submissions (3):

Ambry Genetics
Classification: Uncertain significance for Hereditary cancer-predisposing syndrome. Last evaluated: 2025-09-01. Review status: criteria provided, single submitter. Criteria: Ambry Variant Classification Scheme 2023. Collection method: clinical testing. Allele origin: germline.
Comment: The p.R519H variant (also known as c.1556G>A), located in coding exon 10 of the RAD50 gene, results from a G to A substitution at nucleotide position 1556. The arginine at codon 519 is replaced by histidine, an amino acid with highly similar properties. This amino acid position is highly conserved in available vertebrate species. In addition, the in silico prediction for this alteration is inconclusive. Since supporting evidence is limited at this time, the clinical significance of this alteration remains unclear.

Labcorp Genetics (formerly Invitae), Labcorp
Classification: Uncertain significance for Hereditary cancer-predisposing syndrome. Last evaluated: 2025-05-05. Review status: criteria provided, single submitter. Criteria: Invitae Variant Classification Sherloc (09022015). Collection method: clinical testing. Allele origin: germline.
Comment: This sequence change replaces arginine, which is basic and polar, with histidine, which is basic and polar, at codon 519 of the RAD50 protein (p.Arg519His). This variant is present in population databases (rs140333740, gnomAD 0.007%). This variant has not been reported in the literature in individuals affected with RAD50-related conditions. ClinVar contains an entry for this variant (Variation ID: 229869). Invitae Evidence Modeling of protein sequence and biophysical properties (such as structural, functional, and spatial information, amino acid conservation, physicochemical variation, residue mobility, and thermodynamic stability) indicates that this missense variant is expected to disrupt RAD50 protein function with a positive predictive value of 80%. In summary, the available evidence is currently insufficient to determine the role of this variant in disease. Therefore, it has been classified as a Variant of Uncertain Significance.

Fulgent Genetics
Classification: Uncertain significance for Nijmegen breakage syndrome-like disorder. Last evaluated: 2024-01-15. Review status: criteria provided, single submitter. Criteria: ACMG Guidelines, 2015. Collection method: clinical testing. Allele origin: germline.

NM_005732.4(RAD50):c.1556G>A (p.Arg519His)

Gene: RAD50 (RAD50 double strand break repair protein; plus strand). Cytogenetic location: 5q31.1.
Variant type: single nucleotide variant.
Coding change: c.1556G>A on transcript NM_005732.4 (MANE Select); coding-DNA position 1556, G replaced by A.
Protein change: p.Arg519His; replaces arginine 519 with histidine.
Molecular consequence: missense variant.
Genome position (GRCh38, 1-based): chr5:132,591,327, G>A. VCF-style: chr5-132591327-G-A. GRCh37 (hg19) VCF-style: chr5-131927019-G-A.
Other names: short protein forms R519H.
Identifiers: ClinVar variation 229869 (VCV000229869.16), dbSNP rs140333740, ClinGen allele CA3405196.
Genomic context (GRCh38, chr5:132,591,327, plus strand): 5'-CCTTAAAAATGGAAGTAATAAGTCTCCAAAATGAAAAAGCAGACTTAGACAGGACCCTGC[G>A]TAAACTTGACCAGGAGATGGAGCAGTTAAACCATCATACAACAACACGTACCCAAATGGA-3'
Protein context (NP_005723.2, residues 509-529): NEKADLDRTL[Arg519His]KLDQEMEQLN